The following is an entry in ClinVar:

ClinVar aggregate classification (germline): Likely benign (1 of 4 stars; one submission).

Conditions:
Catecholaminergic polymorphic ventricular tachycardia (CVPT). Also called: Catecholamine-induced polymorphic ventricular tachycardia. Identifiers: Orphanet 3286, MedGen C5574922, MONDO:0017990.

Submission:

All of Us Research Program, National Institutes of Health
Classification: Likely benign for Catecholaminergic polymorphic ventricular tachycardia. Last evaluated: 2023-10-06. Review status: criteria provided, single submitter. Criteria: ACMG Guidelines, 2015. Collection method: clinical testing. Allele origin: germline. Inheritance: Autosomal dominant inheritance. Observed: 1 variant allele, 1 heterozygote.
Comment: This study involves interpretation of variants in research participants for the purpose of population health screening. Participant phenotype was not available at the time of variant classification. Additional details can be found in publication PMID: 35346344, PMCID: PMC8962531

NM_001035.3(RYR2):c.2094T>G (p.Ala698=)

Gene: RYR2 (ryanodine receptor 2; plus strand). Cytogenetic location: 1q43.
Variant type: single nucleotide variant.
Coding change: c.2094T>G on transcript NM_001035.3 (MANE Select); coding-DNA position 2094, T replaced by G.
Protein change: p.Ala698=; no amino-acid change (alanine 698 retained).
Molecular consequence: synonymous variant.
Genome position (GRCh38, 1-based): chr1:237,496,643, T>G. VCF-style: chr1-237496643-T-G. GRCh37 (hg19) VCF-style: chr1-237659943-T-G.
Identifiers: ClinVar variation 3073677 (VCV003073677.1), dbSNP rs1572596285, ClinGen allele CA424030729.